The following is an entry in ClinVar:

NM_017890.5(VPS13B):c.4247G>A (p.Arg1416Gln)

Gene: VPS13B (vacuolar protein sorting 13 homolog B; plus strand). Cytogenetic location: 8q22.2.
Variant type: single nucleotide variant.
Coding change: c.4247G>A on transcript NM_017890.5 (MANE Plus Clinical); coding-DNA position 4247, G replaced by A.
Protein change: p.Arg1416Gln; replaces arginine 1416 with glutamine.
Molecular consequence: missense variant. On other transcripts: intron variant (1).
Genome position (GRCh38, 1-based): chr8:99,507,859, G>A. VCF-style: chr8-99507859-G-A. GRCh37 (hg19) VCF-style: chr8-100520087-G-A.
Other names: p.Arg1416Gln; c.4224+656G>A (NM_152564.5); short protein forms R1416Q.
Identifiers: ClinVar variation 130725 (VCV000130725.30), dbSNP rs75933366, ClinGen allele CA155963.

ClinVar aggregate classification (germline): Benign/Likely benign. Review status: criteria provided, multiple submitters, no conflicts (2 of 4 stars). 9 submissions from 9 submitters: Benign (5); Likely benign (2). 2 of the submissions do not count toward it. Last evaluated 2026-01-30.

Conditions:
Inborn genetic diseases. Identifiers: MedGen C0950123, MeSH D030342.
Cohen syndrome (COH1). Also called: Cutis verticis gyrata, retinitis pigmentosa, and sensorineural deafness; PEPPER SYNDROME. Identifiers: Orphanet 193, MedGen C0265223, MONDO:0008999, OMIM 216550.

Allele frequency attached by ClinVar (database versions not stated): gnomAD exomes 0.00102 and 0.00283; ExAC 0.00346; gnomAD 0.01090 and 0.01162; ESP Exome Variant Server 0.01161; 1000 Genomes Project 0.01218; TOPMed 0.01230; 1000 Genomes Project 30x 0.01296.
gnomAD v4.1: 3,207 of 1,613,910 alleles (0.2%); highest among the groups gnomAD compares: African/African-American, 3.8%; 48 homozygotes.

Submissions (9):

Labcorp Genetics (formerly Invitae), Labcorp
Classification: Benign for Cohen syndrome. Last evaluated: 2026-01-30. Review status: criteria provided, single submitter. Criteria: Invitae Variant Classification Sherloc (09022015). Collection method: clinical testing. Allele origin: germline.

Mayo Clinic Laboratories, Mayo Clinic
Classification: Benign. Last evaluated: 2020-05-27. Review status: criteria provided, single submitter. Criteria: ACMG Guidelines, 2015. Collection method: clinical testing. Allele origin: germline. Observed: 20 variant alleles.

GeneDx
Classification: Likely benign. Last evaluated: 2019-10-21. Review status: criteria provided, single submitter. Criteria: GeneDx Variant Classification Process June 2021. Collection method: clinical testing. Allele origin: germline. Affected: yes.

Illumina Laboratory Services, Illumina
Classification: Benign for Cohen syndrome. Last evaluated: 2018-01-13. Review status: criteria provided, single submitter. Criteria: ICSL Variant Classification Criteria 13 December 2019. Collection method: clinical testing. Allele origin: germline.
Comment: This variant was observed in the ICSL laboratory as part of a predisposition screen in an ostensibly healthy population. It had not been previously curated by ICSL or reported in the Human Gene Mutation Database (HGMD: prior to June 1st, 2018), and was therefore a candidate for classification through an automated scoring system. Utilizing variant allele frequency, disease prevalence and penetrance estimates, and inheritance mode, an automated score was calculated to assess if this variant is too frequent to cause the disease. Based on the score and internal cut-off values, a variant classified as benign is not then subjected to further curation. The score for this variant resulted in a classification of benign for this disease.

Ambry Genetics
Classification: Benign for Inborn genetic diseases. Last evaluated: 2017-07-19. Review status: criteria provided, single submitter. Criteria: Ambry Variant Classification Scheme 2023. Collection method: clinical testing. Allele origin: germline.

Center for Pediatric Genomic Medicine, Children's Mercy Hospital and Clinics
Classification: Benign. Last evaluated: 2015-04-14. Review status: criteria provided, single submitter. Criteria: ACMG Guidelines, 2015. Collection method: clinical testing. Allele origin: germline.

Breakthrough Genomics
Classification: Likely benign. Review status: criteria provided, single submitter. Criteria: ACMG Guidelines, 2015. Collection method: not provided. Allele origin: germline. Inheritance: Autosomal recessive inheritance. Affected: yes.

Natera, Inc.
Classification: Benign for Cohen syndrome. Last evaluated: 2020-09-16. Review status: no assertion criteria provided. Collection method: clinical testing. Allele origin: germline. Not counted in ClinVar's aggregate classification.

Genetic Services Laboratory, University of Chicago
Classification: Likely benign for AllHighlyPenetrant. Review status: no assertion criteria provided. Collection method: clinical testing. Allele origin: germline. Inheritance: Autosomal recessive inheritance. Not counted in ClinVar's aggregate classification.
Comment: Likely benign based on allele frequency in 1000 Genomes Project or ESP global frequency and its presence in a patient with a rare or unrelated disease phenotype. NOT Sanger confirmed.